The following is an entry in ClinVar:

ClinVar aggregate classification (germline): Uncertain significance. Review status: criteria provided, multiple submitters, no conflicts (2 of 4 stars). 4 submissions from 4 submitters: Uncertain significance (4). Last evaluated 2025-04-10.

Conditions:
Developmental and epileptic encephalopathy, 18 (DEE18). Also called: Early infantile epileptic encephalopathy 18. Identifiers: Orphanet 369894, MedGen C3809624, MONDO:0014201, OMIM 615476.
Inborn genetic diseases. Identifiers: MedGen C0950123, MeSH D030342.

Allele frequency attached by ClinVar (database versions not stated): gnomAD exomes below 0.00001 and 0.00002; gnomAD 0.00001; ExAC 0.00002; TOPMed 0.00004.
gnomAD v4.1: 26 of 1,614,038 alleles (0.0016%); highest among the groups gnomAD compares: East Asian, 0.0067%; no homozygotes.

Submissions (4):

Ambry Genetics
Classification: Uncertain significance for Inborn genetic diseases. Last evaluated: 2025-04-10. Review status: criteria provided, single submitter. Criteria: Ambry Variant Classification Scheme 2023. Collection method: clinical testing. Allele origin: germline.

Genome-Nilou Lab
Classification: Uncertain significance for Developmental and epileptic encephalopathy, 18. Last evaluated: 2023-04-11. Review status: criteria provided, single submitter. Criteria: ACMG Guidelines, 2015. Collection method: clinical testing. Allele origin: germline. Affected: no.

Labcorp Genetics (formerly Invitae), Labcorp
Classification: Uncertain significance. Last evaluated: 2022-07-12. Review status: criteria provided, single submitter. Criteria: Invitae Variant Classification Sherloc (09022015). Collection method: clinical testing. Allele origin: germline.
Comment: This sequence change replaces valine, which is neutral and non-polar, with isoleucine, which is neutral and non-polar, at codon 867 of the SZT2 protein (p.Val867Ile). This variant is present in population databases (rs768015377, gnomAD 0.02%). This variant has not been reported in the literature in individuals affected with SZT2-related conditions. ClinVar contains an entry for this variant (Variation ID: 652919). Algorithms developed to predict the effect of missense changes on protein structure and function output the following: SIFT: "Tolerated"; PolyPhen-2: "Benign"; Align-GVGD: "Class C0". The isoleucine amino acid residue is found in multiple mammalian species, which suggests that this missense change does not adversely affect protein function. In summary, the available evidence is currently insufficient to determine the role of this variant in disease. Therefore, it has been classified as a Variant of Uncertain Significance.

Knight Diagnostic Laboratories, Oregon Health and Sciences University
Classification: Uncertain significance for Epileptic encephalopathy, early infantile, 18. Last evaluated: 2019-03-21. Review status: criteria provided, single submitter. Criteria: ACMG Guidelines, 2015. Collection method: clinical testing. Allele origin: germline. Observed: 1 variant allele.

NM_001365999.1(SZT2):c.2599G>A (p.Val867Ile)

Gene: SZT2 (SZT2 subunit of KICSTOR complex; plus strand). Cytogenetic location: 1p34.2.
Variant type: single nucleotide variant.
Coding change: c.2599G>A on transcript NM_001365999.1 (MANE Select); coding-DNA position 2599, G replaced by A.
Protein change: p.Val867Ile; replaces valine 867 with isoleucine.
Molecular consequence: missense variant.
Genome position (GRCh38, 1-based): chr1:43,425,161, G>A. VCF-style: chr1-43425161-G-A. GRCh37 (hg19) VCF-style: chr1-43890832-G-A.
Other names: c.2599G>A, p.Val867Ile (NM_015284.4); short protein forms V867I.
Identifiers: ClinVar variation 652919 (VCV000652919.10), dbSNP rs768015377, ClinGen allele CA808752.
Genomic context (GRCh38, chr1:43,425,161, plus strand): 5'-TTTTGCCCACAGAATGAACCACCAGGGCAGGCTGCAGCTGAAGAGAAGCACACCTGTGTT[G>A]TCCAGTACATCCTCTTCCCCCCACACTCTACCTCCACCAAAGACAGGTGAGACAGGCCAT-3'
Protein context (NP_001352928.1, residues 857-877): AAAEEKHTCV[Val867Ile]QYILFPPHST